The following is an entry in ClinVar:

NM_001110556.2(FLNA):c.2527G>C (p.Ala843Pro)

Gene: FLNA (filamin A; minus strand). Cytogenetic location: Xq28.
Variant type: single nucleotide variant.
Coding change: c.2527G>C on transcript NM_001110556.2 (MANE Select); coding-DNA position 2527, G replaced by C.
Protein change: p.Ala843Pro; replaces alanine 843 with proline.
Molecular consequence: missense variant.
Genome position (GRCh38, 1-based): chrX:154,362,456, C>G on the plus strand (G>C on the coding strand, the complement: FLNA is on the minus strand). VCF-style: chrX-154362456-C-G. GRCh37 (hg19) VCF-style: chrX-153590824-C-G.
Other names: c.2527G>C, p.Ala843Pro (NM_001456.4); short protein forms A843P.
Identifiers: ClinVar variation 4795570 (VCV004795570.1).

ClinVar aggregate classification (germline): Uncertain significance (1 of 4 stars; one submission).

Submission:

GeneDx
Classification: Uncertain significance. Last evaluated: 2025-08-06. Review status: criteria provided, single submitter. Criteria: GeneDx Variant Classification Process June 2021. Collection method: clinical testing. Allele origin: germline. Affected: yes.
Comment: Not observed at significant frequency in large population cohorts (gnomAD); In silico analysis suggests that this missense variant does not alter protein structure/function; Has not been previously published as pathogenic or benign to our knowledge